The following is an entry in ClinVar:

ClinVar aggregate classification (germline): Likely benign (1 of 4 stars; one submission).

Allele frequency attached by ClinVar (database versions not stated): ExAC 0.00004; gnomAD exomes 0.00005; gnomAD 0.00007; ESP Exome Variant Server 0.00008; TOPMed 0.00014; 1000 Genomes Project 0.00020; 1000 Genomes Project 30x 0.00031.
gnomAD v4.1: 97 of 1,614,246 alleles (0.006%); highest among the groups gnomAD compares: Middle Eastern, 0.049%; no homozygotes.

Submission:

CeGaT Center for Human Genetics Tuebingen
Classification: Likely benign. Last evaluated: 2023-01-01. Review status: criteria provided, single submitter. Criteria: CeGaT Center For Human Genetics Tuebingen Variant Classification Criteria Version 2. Collection method: clinical testing. Allele origin: germline. Affected: yes. Observed: 1 variant allele.
Comment: ESPL1: BP4, BP7

NM_012291.5(ESPL1):c.3739C>T (p.Leu1247=)

Gene: ESPL1 (extra spindle pole bodies like 1, separase; plus strand). Cytogenetic location: 12q13.13.
Variant type: single nucleotide variant.
Coding change: c.3739C>T on transcript NM_012291.5 (MANE Select); coding-DNA position 3739, C replaced by T.
Protein change: p.Leu1247=; no amino-acid change (leucine 1247 retained).
Molecular consequence: synonymous variant.
Genome position (GRCh38, 1-based): chr12:53,286,475, C>T. VCF-style: chr12-53286475-C-T. GRCh37 (hg19) VCF-style: chr12-53680259-C-T.
Identifiers: ClinVar variation 2643045 (VCV002643045.24), dbSNP rs201939448, ClinGen allele CA6597542.
Genomic context (GRCh38, chr12:53,286,475, plus strand): 5'-TACACACTGTTGGCACTGGAGGGCCTGAACCAGCCATCAAACGAGAGCCTGCAGAAGGTT[C>T]TACAGTCAGGGCTGAAGTTTGTAGCAGCACGGATACCCCACCTAGAGCCCTGGCGAGCCA-3'
Protein context (NP_036423.4, residues 1237-1257): QPSNESLQKV[Leu1247=]QSGLKFVAAR